The following is an entry in ClinVar:

ClinVar aggregate classification (germline): Pathogenic (1 of 4 stars; one submission).

Conditions:
Odonto-onycho-dermal dysplasia. Identifiers: Orphanet 2721, MedGen C0796093, MONDO:0009773, OMIM 257980.
Tooth agenesis, selective, 4 (STHAG4). Also called: TOOTH AGENESIS, SELECTIVE, 4, WITH OR WITHOUT ECTODERMAL DYSPLASIA; LATERAL INCISORS, ABSENCE OF; LATERAL INCISORS, PEGGED OR MISSING; SUCCEDANEOUS TEETH, AGENESIS OF. Identifiers: Orphanet 99798, MedGen C1835492, MONDO:0007881, OMIM 150400. Disease mechanism: loss of function.

Allele frequency attached by ClinVar (database versions not stated): gnomAD exomes below 0.00001.

Submission:

Labcorp Genetics (formerly Invitae), Labcorp
Classification: Pathogenic for Tooth agenesis, selective, 4; Odonto-onycho-dermal dysplasia. Last evaluated: 2022-04-11. Review status: criteria provided, single submitter. Criteria: Invitae Variant Classification Sherloc (09022015). Collection method: clinical testing. Allele origin: germline.
Comment: This variant disrupts a region of the WNT10A protein in which other variant(s) (p.Glu390*) have been determined to be pathogenic (PMID: 24902757). This suggests that this is a clinically significant region of the protein, and that variants that disrupt it are likely to be disease-causing. This sequence change creates a premature translational stop signal (p.Glu340*) in the WNT10A gene. While this is not anticipated to result in nonsense mediated decay, it is expected to disrupt the last 78 amino acid(s) of the WNT10A protein. This variant is not present in population databases (gnomAD no frequency). This premature translational stop signal has been observed in individual(s) with clinical features of odontoonychodermal dysplasia (PMID: 28105635). For these reasons, this variant has been classified as Pathogenic.

Literature cited by the submitters: PubMed 24902757; PubMed 28105635.

NM_025216.3(WNT10A):c.1018G>T (p.Glu340Ter)

Gene: WNT10A (Wnt family member 10A; plus strand). Cytogenetic location: 2q35.
Variant type: single nucleotide variant.
Coding change: c.1018G>T on transcript NM_025216.3 (MANE Select); coding-DNA position 1018, G replaced by T.
Protein change: p.Glu340Ter; replaces glutamic acid 340 with a stop codon.
Molecular consequence: nonsense.
Genome position (GRCh38, 1-based): chr2:218,893,035, G>T. VCF-style: chr2-218893035-G-T. GRCh37 (hg19) VCF-style: chr2-219757757-G-T.
Other names: short protein forms E340*.
Identifiers: ClinVar variation 2143000 (VCV002143000.4), dbSNP rs2469037358, ClinGen allele CA350590683.